The following is an entry in ClinVar:

NM_006208.3(ENPP1):c.1437+3_1437+6del

Gene: ENPP1 (ectonucleotide pyrophosphatase/phosphodiesterase 1; plus strand). Cytogenetic location: 6q23.2.
Variant type: Deletion.
Coding change: c.1437+3_1437+6del on transcript NM_006208.3 (MANE Select); bases 3 to 6 of the intron after coding-DNA position 1437, 4 bases deleted (GAGT; older notation c.1437+3_1437+6delGAGT).
Molecular consequence: splice donor variant.
Genome position (GRCh38, 1-based): chr6:131,872,104-131,872,107, GAGT deleted; deleting any 4 consecutive bases within chr6:131,872,102-131,872,107 gives the same sequence; the c. name uses the placement nearest the transcript's 3' end. VCF-style (leftmost placement, unchanged base first): chr6-131872101-TGTGA-T. GRCh37 (hg19) VCF-style: chr6-132193241-TGTGA-T.
Identifiers: ClinVar variation 846125 (VCV000846125.9), dbSNP rs747843796, ClinGen allele CA4002211.
Genomic context (GRCh38, chr6:131,872,101, plus strand): 5'-TATTAATTCTTATGTTTGTTCCCCTCCAGTTAACTATGAAGGCATTGCCCGAAATCTTTC[TGTGA>T]GTATCTTTATTTTCCATTATCTAGTTATTTTTACTTTTGTATAATATATATTGAGAGAAA-3'

ClinVar aggregate classification (germline): Uncertain significance. Review status: criteria provided, multiple submitters, no conflicts (2 of 4 stars). 2 submissions from 2 submitters: Uncertain significance (2). Last evaluated 2025-10-21.

Conditions:
Hypopigmentation-punctate palmoplantar keratoderma syndrome. Also called: Cole disease; GUTTATE HYPOPIGMENTATION AND PUNCTATE PALMOPLANTAR KERATODERMA WITH OR WITHOUT ECTOPIC CALCIFICATION. Identifiers: Orphanet 324561, MedGen C3809781, MONDO:0014227, OMIM 615522.
Arterial calcification, generalized, of infancy, 1 (GACI1). Also called: Idiopathic Infantile Arterial Calcification. Identifiers: Orphanet 51608, MedGen C4551985, MONDO:0008817, OMIM 208000.
Type 2 diabetes mellitus. Also called: Type II diabetes mellitus. Identifiers: MedGen C0011860, MeSH D003924, MONDO:0005148, OMIM 125853, HP:0005978.
Obesity. Also called: Obesity disorder. Identifiers: Orphanet 71529, MedGen C0028754, MeSH D009765, MONDO:0011122, HP:0001513.
Hypophosphatemic rickets, autosomal recessive, 2 (ARHR2). Identifiers: Orphanet 289176, MedGen C2750078, MONDO:0013219, OMIM 613312.

Submissions (2):

Labcorp Genetics (formerly Invitae), Labcorp
Classification: Uncertain significance. Last evaluated: 2025-10-21. Review status: criteria provided, single submitter. Criteria: Invitae Variant Classification Sherloc (09022015). Collection method: clinical testing. Allele origin: germline.
Comment: This sequence change falls in intron 14 of the ENPP1 gene. It does not directly change the encoded amino acid sequence of the ENPP1 protein. It affects a nucleotide within the consensus splice site. This variant is present in population databases (rs747843796, gnomAD 0.02%). This variant has been observed in individual(s) with hypophosphatemic rickets (PMID: 34633109). ClinVar contains an entry for this variant (Variation ID: 846125). Variants that disrupt the consensus splice site are a relatively common cause of aberrant splicing (PMID: 17576681, 9536098). Algorithms developed to predict the effect of sequence changes on RNA splicing suggest that this variant may disrupt the consensus splice site. In summary, the available evidence is currently insufficient to determine the role of this variant in disease. Therefore, it has been classified as a Variant of Uncertain Significance.

Fulgent Genetics
Classification: Uncertain significance for Type 2 diabetes mellitus; Arterial calcification, generalized, of infancy, 1; Inherited obesity; Hypophosphatemic rickets, autosomal recessive, 2; Hypopigmentation-punctate palmoplantar keratoderma syndrome. Last evaluated: 2021-12-20. Review status: criteria provided, single submitter. Criteria: ACMG Guidelines, 2015. Collection method: clinical testing. Allele origin: unknown.

Literature cited by the submitters: PubMed 34633109 (cited by Labcorp Genetics (formerly Invitae), Labcorp); PubMed 17576681 (cited by Labcorp Genetics (formerly Invitae), Labcorp); PubMed 9536098 (cited by Labcorp Genetics (formerly Invitae), Labcorp).